The following is an entry in ClinVar:

NM_016219.5(MAN1B1):c.1378_1394delinsAG (p.Ala460_Tyr465delinsSer)

Gene: MAN1B1 (mannosidase alpha class 1B member 1; plus strand). Cytogenetic location: 9q34.3.
Variant type: Indel.
Coding change: c.1378_1394delinsAG on transcript NM_016219.5 (MANE Select); coding-DNA positions 1378 to 1394, GCCAGGGCCGACAGCTA replaced by AG.
Protein change: p.Ala460_Tyr465delinsSer.
Molecular consequence: inframe indel. On other transcripts: non-coding transcript variant (2).
Genome position (GRCh38, 1-based): chr9:137,106,248-137,106,264, GCCAGGGCCGACAGCTA replaced by AG. VCF-style: chr9-137106248-GCCAGGGCCGACAGCTA-AG. GRCh37 (hg19) VCF-style: chr9-140000700-GCCAGGGCCGACAGCTA-AG.
Other names: c.1270_1286del17insAG, p.Ala424_Tyr429delinsSer (NM_007230.1).
Identifiers: ClinVar variation 1805593 (VCV001805593.3), dbSNP rs2538445870, ClinGen allele CA1139532813.

ClinVar aggregate classification (germline): Likely pathogenic. Review status: criteria provided, multiple submitters, no conflicts (2 of 4 stars). 2 submissions from 2 submitters: Likely pathogenic (2). Last evaluated 2023-07-17.

Conditions:
Rafiq syndrome (RAFQS). Identifiers: Orphanet 88616, MedGen C3280127, MONDO:0013624, OMIM 614202.

Submissions (2):

Victorian Clinical Genetics Services, Murdoch Childrens Research Institute
Classification: Likely pathogenic for Rafiq syndrome. Last evaluated: 2023-07-17. Review status: criteria provided, single submitter. Criteria: ACMG Guidelines, 2015. Collection method: clinical testing. Allele origin: germline. Inheritance: Autosomal recessive inheritance. Affected: yes.
Comment: Based on the classification scheme VCGS_Germline_v1.3.4, this variant is classified as Likely pathogenic. Following criteria are met: 0102 - Loss of function is a known mechanism of disease in this gene and is associated with Rafiq syndrome (MIM#614202). (I) 0106 - This gene is associated with autosomal recessive disease. (I) 0213 - In-frame insertion/deletion in a non-repetitive region that has high conservation. (SP) 0251 - This variant is heterozygous. (I) 0301 - Variant is absent from gnomAD (both v2 and v3). However, there are two variants which may encompass a single event (as per this individual; v3: 1 heterozygote, 0 homozygotes). (SP) 0601 - Variant is located in the well-established functional Glyco_hydro_47 domain. Mutagenesis studies on individual residues within this deleted region (p.Arg461, p.Asp463) have demonstrated significant reductions in catalytic rate, and substrate affinity and binding (PMID: 15911611, 15713668). (SP) 0705 - No comparable in-frame deletion-insertion variants have previous evidence for pathogenicity. (I) 0807 - This variant has no previous evidence of pathogenicity. (I) 0905 - No published segregation evidence has been identified for this variant. (I) 1007 - No published functional evidence has been identified for this variant. (I) 1202 - Heterozygous variant assumed in trans with a likely pathogenic heterozygous variant (NM_016219.4:c.917-3_920del) in a recessive disease. (SP) 1207 - Parental origin of the variant is unresolved. (I) Legend: (SP) - Supporting pathogenic, (I) - Information, (SB) - Supporting benign

Pittsburgh Clinical Genomics Laboratory, University of Pittsburgh Medical Center
Classification: Likely pathogenic for Rafiq syndrome. Last evaluated: 2023-04-25. Review status: criteria provided, single submitter. Criteria: ACMG Guidelines, 2015. Collection method: clinical testing. Allele origin: germline. Inheritance: Autosomal recessive inheritance. Affected: yes.
Comment: This sequence variant is a deletion of 17 nucleotides and insertion of 2 nucleotides beginning at coding position 1378 in the MAN1B1 gene; this results in the replacement of 6 amino acid residues in the MAN1B1 protein, beginning at residue 460, with a serine amino acid. This variant is absent from the gnomAD population database (0/~203500 alleles). The replaced residues are all highly conserved in vertebrates. Based on the available evidence, we consider this variant to be likely pathogenic. ACMG Criteria: PM2, PM3, PM4

Literature cited by the submitters: PubMed 15713668 (cited by Victorian Clinical Genetics Services, Murdoch Childrens Research Institute); PubMed 15911611 (cited by Victorian Clinical Genetics Services, Murdoch Childrens Research Institute).